The following is an entry in ClinVar:

ClinVar aggregate classification (germline): Uncertain significance. Review status: criteria provided, multiple submitters, no conflicts (2 of 4 stars). 3 submissions from 3 submitters: Uncertain significance (3). Last evaluated 2023-02-17.

Conditions:
SALL4-Related Disorders. Also called: SALL4-related disorder; SALL4-related condition. Identifiers: MedGen CN381056.
Duane-radial ray syndrome (DRRS). Also called: ACRORENOOCULAR SYNDROME; DR SYNDROME; DUANE ANOMALY WITH RADIAL RAY ABNORMALITIES AND DEAFNESS; Okihiro Syndrome; Duane-Radial Ray Syndrome/Okihiro Syndrome; Duane-Radial Ray Syndrome (DRRS) / Okihiro Syndrome. Identifiers: Orphanet 93293, Orphanet 959, MedGen C1623209, MONDO:0011812, OMIM 607323. Disease mechanism: gain of function.

Allele frequency attached by ClinVar (database versions not stated): gnomAD 0.00001; gnomAD exomes 0.00001 and 0.00003; TOPMed 0.00001; ExAC 0.00002; 1000 Genomes Project 30x 0.00031; 1000 Genomes Project 0.00040.
gnomAD v4.1: 38 of 1,614,250 alleles (0.0024%); highest among the groups gnomAD compares: East Asian, 0.0067%; no homozygotes.

Submissions (3):

Blueprint Genetics
Classification: Uncertain significance. Last evaluated: 2023-02-17. Review status: criteria provided, single submitter. Criteria: ACMG Guidelines, 2015. Collection method: clinical testing. Allele origin: germline.

PreventionGenetics, part of Exact Sciences
Classification: Uncertain significance for SALL4-related condition. Last evaluated: 2023-02-02. Review status: criteria provided, single submitter. Criteria: ACMG Guidelines, 2015. Collection method: clinical testing. Allele origin: germline.
Comment: The SALL4 c.536C>G variant is predicted to result in the amino acid substitution p.Thr179Ser. To our knowledge, this variant has not been reported in the literature. This variant is reported in 0.0062% of alleles in individuals of African descent in gnomAD. At this time, the clinical significance of this variant is uncertain due to the absence of conclusive functional and genetic evidence.

Labcorp Genetics (formerly Invitae), Labcorp
Classification: Uncertain significance for Duane-radial ray syndrome. Last evaluated: 2018-07-11. Review status: criteria provided, single submitter. Criteria: Invitae Variant Classification Sherloc (09022015). Collection method: clinical testing. Allele origin: germline.
Comment: In summary, the available evidence is currently insufficient to determine the role of this variant in disease. Therefore, it has been classified as a Variant of Uncertain Significance. Algorithms developed to predict the effect of missense changes on protein structure and function are either unavailable or do not agree on the potential impact of this missense change (SIFT: "Tolerated"; PolyPhen-2: "Probably Damaging"; Align-GVGD: "Class C0"). This variant has not been reported in the literature in individuals with SALL4-related disease. This variant is present in population databases (rs201303046, ExAC 0.003%). This sequence change replaces threonine with serine at codon 179 of the SALL4 protein (p.Thr179Ser). The threonine residue is moderately conserved and there is a small physicochemical difference between threonine and serine.

NM_020436.5(SALL4):c.536C>G (p.Thr179Ser)

Gene: SALL4 (spalt like transcription factor 4; minus strand). Cytogenetic location: 20q13.2.
Variant type: single nucleotide variant.
Coding change: c.536C>G on transcript NM_020436.5 (MANE Select); coding-DNA position 536, C replaced by G.
Protein change: p.Thr179Ser; replaces threonine 179 with serine.
Molecular consequence: missense variant.
Genome position (GRCh38, 1-based): chr20:51,791,947, G>C on the plus strand (C>G on the coding strand, the complement: SALL4 is on the minus strand). VCF-style: chr20-51791947-G-C. GRCh37 (hg19) VCF-style: chr20-50408486-G-C.
Other names: c.536C>G (LRG_675t1, NM_020436.4); c.536C>G, p.Thr179Ser (NM_001318031.2); short protein forms T179S.
Identifiers: ClinVar variation 659699 (VCV000659699.10), dbSNP rs201303046, ClinGen allele CA9912441.
Genomic context (GRCh38, chr20:51,791,947, plus strand): 5'-TCCGCGCTCCGCTGATTCACCGCCACCTTGGTGCCCCGTAGTGCCTGCAAGGTCACATTA[G>C]TGTTGGCCACTTTGCCTTTGGCTAAATAGCTTATGTCCTGGGGGGTGGGTGGCAGGGCTG-3'
Protein context (NP_065169.1, residues 169-189): SYLAKGKVAN[Thr179Ser]NVTLQALRGT